The following is an entry in ClinVar:

ClinVar aggregate classification (germline): Benign. Review status: criteria provided, multiple submitters, no conflicts (2 of 4 stars). 4 submissions from 4 submitters: Benign (4). Last evaluated 2026-01-27.

Conditions:
Nephrolithiasis/nephrocalcinosis. Identifiers: MedGen CN580796.
HPRT1-related disorder. Also called: HPRT1-related disorders; HPRT1-related condition.
Lesch-Nyhan syndrome (LNS). Also called: HPRT DEFICIENCY, COMPLETE; Lesch-Nyhan Disease (LND). Identifiers: Orphanet 510, MedGen C0023374, MONDO:0010298, OMIM 300322.
Partial hypoxanthine-guanine phosphoribosyltransferase deficiency. Also called: HPRT1 DEFICIENCY, PARTIAL; HPRT DEFICIENCY, PARTIAL; HYPOXANTHINE GUANINE PHOSPHORIBOSYLTRANSFERASE 1 DEFICIENCY, PARTIAL; GOUT, HPRT-RELATED; Kelley-Seegmiller Syndrome. Identifiers: Orphanet 79233, MedGen C0268117, MONDO:0010299, OMIM 300323.

Allele frequency attached by ClinVar (database versions not stated): gnomAD exomes 0.00017 and 0.00057; ExAC 0.00071; 1000 Genomes Project 30x 0.00146; 1000 Genomes Project 0.00159; gnomAD 0.00162 and 0.00170; TOPMed 0.00177; ESP Exome Variant Server 0.00312.
gnomAD v4.1: 371 of 1,173,026 alleles (0.032%); highest among the groups gnomAD compares: African/African-American, 0.58%; no homozygotes.

Submissions (4):

Labcorp Genetics (formerly Invitae), Labcorp
Classification: Benign for Lesch-Nyhan syndrome; Partial hypoxanthine-guanine phosphoribosyltransferase deficiency. Last evaluated: 2026-01-27. Review status: criteria provided, single submitter. Criteria: Invitae Variant Classification Sherloc (09022015). Collection method: clinical testing. Allele origin: germline.

PreventionGenetics, part of Exact Sciences
Classification: Benign for HPRT1-related condition. Last evaluated: 2024-12-03. Review status: criteria provided, single submitter. Criteria: ACMG Guidelines, 2015. Collection method: clinical testing. Allele origin: germline.
Comment: This variant is classified as benign based on ACMG/AMP sequence variant interpretation guidelines (Richards et al. 2015 PMID: 25741868, with internal and published modifications).

Ambry Genetics
Classification: Benign for Nephrolithiasis/nephrocalcinosis. Last evaluated: 2017-05-30. Review status: criteria provided, single submitter. Criteria: Ambry Variant Classification Scheme 2023. Collection method: clinical testing. Allele origin: germline.

Eurofins Ntd Llc (ga)
Classification: Benign. Last evaluated: 2015-03-03. Review status: criteria provided, single submitter. Criteria: EGL Classification Definitions 2015. Collection method: clinical testing. Allele origin: germline. Observed: 1 variant allele, 1 hemizygote.

NM_000194.3(HPRT1):c.480C>T (p.Val160=)

Gene: HPRT1 (hypoxanthine phosphoribosyltransferase 1; plus strand). Cytogenetic location: Xq26.2.
Variant type: single nucleotide variant.
Coding change: c.480C>T on transcript NM_000194.3 (MANE Select); coding-DNA position 480, C replaced by T.
Protein change: p.Val160=; no amino-acid change (valine 160 retained).
Molecular consequence: synonymous variant.
Genome position (GRCh38, 1-based): chrX:134,493,585, C>T. VCF-style: chrX-134493585-C-T. GRCh37 (hg19) VCF-style: chrX-133627615-C-T.
Identifiers: ClinVar variation 198057 (VCV000198057.20), dbSNP rs148780933, ClinGen allele CA203208.
Genomic context (GRCh38, chrX:134,493,585, plus strand): 5'-CAAAACAATGCAGACTTTGCTTTCCTTGGTCAGGCAGTATAATCCAAAGATGGTCAAGGT[C>T]GCAAGGTATGTATGACATTTTGACACAGAATATTTTCCTCATTTGAAGGGGGATTAAGTG-3'
Protein context (NP_000185.1, residues 150-170): VRQYNPKMVK[Val160=]ASLLVKRTPR